The following is an entry in ClinVar:

NM_006258.4(PRKG1):c.170C>T (p.Thr57Ile)

Gene: PRKG1 (protein kinase cGMP-dependent 1; plus strand). Cytogenetic location: 10q11.23.
Variant type: single nucleotide variant.
Coding change: c.170C>T on transcript NM_006258.4 (MANE Select); coding-DNA position 170, C replaced by T.
Protein change: p.Thr57Ile; replaces threonine 57 with isoleucine.
Molecular consequence: missense variant. On other transcripts: intron variant (1).
Genome position (GRCh38, 1-based): chr10:51,074,760, C>T. VCF-style: chr10-51074760-C-T. GRCh37 (hg19) VCF-style: chr10-52834520-C-T.
Other names: c.170C>T, p.Thr57Ile (NM_001374782.1); c.267-78404C>T (NM_001098512.3); short protein forms T57I.
Identifiers: ClinVar variation 1491675 (VCV001491675.11), dbSNP rs758888287, ClinGen allele CA5503073.
Genomic context (GRCh38, chr10:51,074,760, plus strand): 5'-AACTGATCCAGAAGCTGCAGAACGAGCTGGACAAGTACCGCTCGGTGATCCGACCAGCCA[C>T]CCAGCAGGCGCAGAAGCAGAGCGCGAGCACCTTGCAGGGCGAGCCGCGCACCAAGCGGCA-3'
Protein context (NP_006249.1, residues 47-67): DKYRSVIRPA[Thr57Ile]QQAQKQSAST

ClinVar aggregate classification (germline): Uncertain significance. Review status: criteria provided, multiple submitters, no conflicts (2 of 4 stars). 3 submissions from 3 submitters: Uncertain significance (3). Last evaluated 2025-08-10.

Conditions:
Aortic aneurysm, familial thoracic 8 (AAT8). Identifiers: MedGen C3809513, MONDO:0014187, OMIM 615436.
Familial thoracic aortic aneurysm and aortic dissection (TAAD). Also called: Thoracic aortic aneurysms and dissections. Identifiers: Orphanet 91387, MedGen C4707243, MONDO:0019625.

Allele frequency attached by ClinVar (database versions not stated): TOPMed below 0.00001; gnomAD 0.00001; ExAC 0.00002; gnomAD exomes 0.00002 and 0.00004.
gnomAD v4.1: 61 of 1,613,964 alleles (0.0038%); highest among the groups gnomAD compares: Non-Finnish European, 0.0049%; no homozygotes.

Submissions (3):

Labcorp Genetics (formerly Invitae), Labcorp
Classification: Uncertain significance for Aortic aneurysm, familial thoracic 8. Last evaluated: 2025-08-10. Review status: criteria provided, single submitter. Criteria: Invitae Variant Classification Sherloc (09022015). Collection method: clinical testing. Allele origin: germline.
Comment: This sequence change replaces threonine, which is neutral and polar, with isoleucine, which is neutral and non-polar, at codon 57 of the PRKG1 protein (p.Thr57Ile). This variant is present in population databases (rs758888287, gnomAD 0.004%). This variant has not been reported in the literature in individuals affected with PRKG1-related conditions. ClinVar contains an entry for this variant (Variation ID: 1491675). An algorithm developed to predict the effect of missense changes on protein structure and function (PolyPhen-2) suggests that this variant is likely to be tolerated. In summary, the available evidence is currently insufficient to determine the role of this variant in disease. Therefore, it has been classified as a Variant of Uncertain Significance.

Ambry Genetics
Classification: Uncertain significance for Familial thoracic aortic aneurysm and aortic dissection. Last evaluated: 2024-02-22. Review status: criteria provided, single submitter. Criteria: Ambry Variant Classification Scheme 2023. Collection method: clinical testing. Allele origin: germline.
Comment: The p.T57I variant (also known as c.170C>T), located in coding exon 1 of the PRKG1 gene, results from a C to T substitution at nucleotide position 170. The threonine at codon 57 is replaced by isoleucine, an amino acid with similar properties. This amino acid position is conserved. In addition, this alteration is predicted to be tolerated by in silico analysis. Based on the available evidence, the clinical significance of this alteration remains unclear.

GeneDx
Classification: Uncertain significance. Last evaluated: 2022-06-09. Review status: criteria provided, single submitter. Criteria: GeneDx Variant Classification Process June 2021. Collection method: clinical testing. Allele origin: germline. Affected: yes.
Comment: Not observed at significant frequency in large population cohorts (gnomAD); In silico analysis supports that this missense variant does not alter protein structure/function; Has not been previously published as pathogenic or benign to our knowledge